The following is an entry in ClinVar:

ClinVar aggregate classification (germline): Uncertain significance (1 of 4 stars; one submission).

Conditions:
Postaxial polydactyly-anterior pituitary anomalies-facial dysmorphism syndrome. Also called: Culler-Jones syndrome. Identifiers: Orphanet 420584, MedGen C4014479, MONDO:0014369, OMIM 615849.
Holoprosencephaly 9 (HPE9). Also called: HOLOPROSENCEPHALY WITH MICROPHTHALMIA AND FIRST BRANCHIAL ARCH ANOMALIES; PITUITARY ANOMALIES WITH HOLOPROSENCEPHALY-LIKE FEATURES. Identifiers: Orphanet 2162, MedGen C1835819, MONDO:0012563, OMIM 610829.

gnomAD v4.1: 1 of 1,606,394 alleles (0.000062%); highest among the groups gnomAD compares: Admixed American, 0.0017%; no homozygotes.

Submission:

Labcorp Genetics (formerly Invitae), Labcorp
Classification: Uncertain significance for Postaxial polydactyly-anterior pituitary anomalies-facial dysmorphism syndrome; Holoprosencephaly 9. Last evaluated: 2018-01-16. Review status: criteria provided, single submitter. Criteria: Invitae Variant Classification Sherloc (09022015). Collection method: clinical testing. Allele origin: germline.
Comment: This sequence change replaces alanine with proline at codon 151 of the GLI2 protein (p.Ala151Pro). The alanine residue is highly conserved and there is a small physicochemical difference between alanine and proline. This variant is not present in population databases (ExAC no frequency). In summary, the available evidence is currently insufficient to determine the role of this variant in disease. Therefore, it has been classified as a Variant of Uncertain Significance. Algorithms developed to predict the effect of missense changes on protein structure and function (SIFT, PolyPhen-2, Align-GVGD) all suggest that this variant is likely to be disruptive, but these predictions have not been confirmed by published functional studies and their clinical significance is uncertain. This variant has not been reported in the literature in individuals with GLI2-related disease.

NM_001374353.1(GLI2):c.451G>C (p.Ala151Pro)

Gene: GLI2 (GLI family zinc finger 2; plus strand). Cytogenetic location: 2q14.2.
Variant type: single nucleotide variant.
Coding change: c.451G>C on transcript NM_001374353.1 (MANE Select); coding-DNA position 451, G replaced by C.
Protein change: p.Ala151Pro; replaces alanine 151 with proline.
Molecular consequence: missense variant.
Genome position (GRCh38, 1-based): chr2:120,951,439, G>C. VCF-style: chr2-120951439-G-C. GRCh37 (hg19) VCF-style: chr2-121709015-G-C.
Other names: c.451G>C, p.Ala151Pro (NM_001371271.1, NM_005270.5); c.76G>C, p.Ala26Pro (NM_001374354.1); short protein forms A151P, A26P.
Identifiers: ClinVar variation 541904 (VCV000541904.7), dbSNP rs781771721, ClinGen allele CA348162322.
Genomic context (GRCh38, chr2:120,951,439, plus strand): 5'-CGTTCTGTGCACAGCAGCCCCACGCTCTCCATGATCTCTGCAGCCAGGGGCCTCAGCCCC[G>C]CTGATGGTGAGTAGGGTGTGGGGATGGGGAGGGGCAGCTAGGGCACTGGGGCAGGGCGCA-3'
Protein context (NP_001361282.1, residues 141-161): MISAARGLSP[Ala151Pro]DVAQEHLKER